The following is an entry in ClinVar:

NM_000137.4(FAH):c.506C>T (p.Ser169Phe)

Gene: FAH (fumarylacetoacetate hydrolase; plus strand). Cytogenetic location: 15q25.1.
Variant type: single nucleotide variant.
Coding change: c.506C>T on transcript NM_000137.4 (MANE Select); coding-DNA position 506, C replaced by T.
Protein change: p.Ser169Phe; replaces serine 169 with phenylalanine.
Molecular consequence: missense variant.
Genome position (GRCh38, 1-based): chr15:80,168,102, C>T. VCF-style: chr15-80168102-C-T. GRCh37 (hg19) VCF-style: chr15-80460444-C-T.
Other names: c.506C>T, p.Ser169Phe (NM_001374377.1, NM_001374380.1); short protein forms S169F.
Identifiers: ClinVar variation 1343304 (VCV001343304.2), dbSNP rs2142097943, ClinGen allele CA393619863.

ClinVar aggregate classification (germline): Uncertain significance. Review status: criteria provided, single submitter (1 of 4 stars). 2 submissions from 2 submitters: Uncertain significance (1). 1 of the submissions does not count toward it. Last evaluated 2025-10-30.

Conditions:
Hepatoblastoma. Identifiers: Orphanet 449, MedGen C0206624, MONDO:0018666, HP:0002884.
Tyrosinemia type I (TYRSN1). Also called: HEPATORENAL TYROSINEMIA; Tyrosinemia type 1; Fumarylacetoacetase deficiency; Deficiency of fumarylacetoacetase; FAH DEFICIENCY. Identifiers: Orphanet 882, MedGen C0268490, MONDO:0010161, OMIM 276700. Disease mechanism: loss of function.

Submissions (2):

Myriad Genetics, Inc.
Classification: Uncertain significance for Tyrosinemia type I. Last evaluated: 2025-10-30. Review status: criteria provided, single submitter. Criteria: Myriad Autosomal Dominant, Autosomal Recessive and X-Linked Classification Criteria (2023). Collection method: clinical testing. Allele origin: unknown.
Comment: NM_000137.2(FAH):c.506C>T(S169F) is a missense variant classified as a variant of uncertain significance in the context of tyrosinemia type I. S169F has not been observed in cases with relevant disease. Relevant functional assessments of this variant are not available in the literature. S169F has not been observed in referenced population frequency databases. In summary, there is insufficient evidence to classify NM_000137.2(FAH):c.506C>T(S169F) as pathogenic or benign. Please note: this variant was assessed in the context of healthy population screening.

Molecular Oncology -  Human Genetics Lab, University of Sao Paulo
Classification: Uncertain significance for Hepatoblastoma. Review status: no assertion criteria provided. Collection method: research. Allele origin: germline. Affected: yes. Not counted in ClinVar's aggregate classification.